The following is an entry in ClinVar:

NM_001190787.3(MCIDAS):c.441C>T (p.Cys147=)

Gene: MCIDAS (multiciliate differentiation and DNA synthesis associated cell cycle protein; minus strand). Cytogenetic location: 5q11.2.
Variant type: single nucleotide variant.
Coding change: c.441C>T on transcript NM_001190787.3 (MANE Select); coding-DNA position 441, C replaced by T.
Protein change: p.Cys147=; no amino-acid change (cysteine 147 retained).
Molecular consequence: synonymous variant.
Genome position (GRCh38, 1-based): chr5:55,222,341, G>A on the plus strand (C>T on the coding strand, the complement: MCIDAS is on the minus strand). VCF-style: chr5-55222341-G-A. GRCh37 (hg19) VCF-style: chr5-54518169-G-A.
Other names: p.Cys147=.
Identifiers: ClinVar variation 4684837 (VCV004684837.2).

ClinVar aggregate classification (germline): Likely benign. Review status: criteria provided, multiple submitters, no conflicts (2 of 4 stars). 2 submissions from 2 submitters: Likely benign (2). Last evaluated 2025-09-22.

Conditions:
Primary ciliary dyskinesia. Also called: Ciliary dyskinesia. Identifiers: Orphanet 244, MedGen C0008780, MONDO:0016575, HP:0012265.

gnomAD v4.1: 6 of 1,533,740 alleles (0.00039%); highest among the groups gnomAD compares: Admixed American, 0.0098%; no homozygotes.

Submissions (2):

Labcorp Genetics (formerly Invitae), Labcorp
Classification: Likely benign for Primary ciliary dyskinesia. Last evaluated: 2025-09-22. Review status: criteria provided, single submitter. Criteria: Invitae Variant Classification Sherloc (09022015). Collection method: clinical testing. Allele origin: germline.

Mayo Clinic Laboratories, Mayo Clinic
Classification: Likely benign. Last evaluated: 2025-01-20. Review status: criteria provided, single submitter. Criteria: ACMG Guidelines, 2015. Collection method: clinical testing. Allele origin: germline. Observed: 1 variant allele.
Comment: BP4, BP7